The following is an entry in ClinVar:

NR_197388.1(MIR17HG):n.2774T>C

Gene: MIR17HG (miR-17-92a-1 cluster host gene; plus strand). Cytogenetic location: 13q31.3.
Variant type: single nucleotide variant.
Molecular consequence: non-coding transcript variant (on NR_197388.1).
Genome position: GRCh38 VCF-style: chr13-91352583-T-C. GRCh37 (hg19) VCF-style: chr13-92004837-T-C.
Identifiers: ClinVar variation 3352511 (VCV003352511.1).

ClinVar aggregate classification (germline): Uncertain significance (0 of 4 stars; one submission).

Conditions:
MIR17HG-related disorder. Also called: MIR17HG-related condition.

gnomAD v4.1: 97 of 152,334 alleles (0.064%); highest among the groups gnomAD compares: Middle Eastern, 1.7%; no homozygotes.

Submission:

PreventionGenetics, part of Exact Sciences
Classification: Uncertain significance for MIR17HG-related condition. Last evaluated: 2024-05-16. Review status: no assertion criteria provided. Collection method: clinical testing. Allele origin: germline.
Comment: The MIR17HG n.3026T>C is a noncoding alteration. To our knowledge, this variant has not been reported in the literature. This variant is reported in 0.12% of alleles in individuals of Latino descent in gnomAD. Although we suspect that this variant may be benign, at this time, the clinical significance of this variant is uncertain due to the absence of conclusive functional and genetic evidence.